The following is an entry in ClinVar:

NM_000228.3(LAMB3):c.2458G>A (p.Gly820Ser)

Gene: LAMB3 (laminin subunit beta 3; minus strand). Cytogenetic location: 1q32.2.
Variant type: single nucleotide variant.
Coding change: c.2458G>A on transcript NM_000228.3 (MANE Select); coding-DNA position 2458, G replaced by A.
Protein change: p.Gly820Ser; replaces glycine 820 with serine.
Molecular consequence: missense variant.
Genome position (GRCh38, 1-based): chr1:209,623,080, C>T on the plus strand (G>A on the coding strand, the complement: LAMB3 is on the minus strand). VCF-style: chr1-209623080-C-T. GRCh37 (hg19) VCF-style: chr1-209796425-C-T.
Other names: c.2458G>A, p.Gly820Ser (NM_001017402.2, NM_001127641.1); short protein forms G820S.
Identifiers: ClinVar variation 3361673 (VCV003361673.1).

ClinVar aggregate classification (germline): Uncertain significance (1 of 4 stars; one submission).

gnomAD v4.1: 12 of 1,614,206 alleles (0.00074%); highest among the groups gnomAD compares: Non-Finnish European, 0.00093%; no homozygotes.

Submission:

GeneDx
Classification: Uncertain significance. Last evaluated: 2023-07-24. Review status: criteria provided, single submitter. Criteria: GeneDx Variant Classification Process June 2021. Collection method: clinical testing. Allele origin: germline. Affected: yes.
Comment: Not observed at significant frequency in large population cohorts (gnomAD); In silico analysis supports that this missense variant has a deleterious effect on protein structure/function; Has not been previously published as pathogenic or benign to our knowledge